The following is an entry in ClinVar:

ClinVar aggregate classification (germline): Likely pathogenic (1 of 4 stars; one submission).

Conditions:
Rienhoff syndrome. Also called: LOEYS-DIETZ SYNDROME 5. Identifiers: MedGen C3810012, MONDO:0014262, OMIM 615582.

Submission:

Labcorp Genetics (formerly Invitae), Labcorp
Classification: Likely pathogenic for Rienhoff syndrome. Last evaluated: 2025-12-24. Review status: criteria provided, single submitter. Criteria: Invitae Variant Classification Sherloc (09022015). Collection method: clinical testing. Allele origin: germline.
Comment: This variant results in the deletion of part of exon 2 (c.353-2_353del) of the TGFB3 gene. It is expected to disrupt RNA splicing. Variants that disrupt the donor or acceptor splice site typically lead to a loss of protein function (PMID: 16199547), and loss-of-function variants in TGFB3 are known to be pathogenic (PMID: 25835445, 26188975). This variant is not present in population databases (gnomAD no frequency). This variant has been observed in individual(s) with clinical features of Loeys-Dietz syndrome (internal data). Algorithms developed to predict the effect of sequence changes on RNA splicing suggest that this variant may disrupt the consensus splice site. In summary, the currently available evidence indicates that the variant is pathogenic, but additional data are needed to prove that conclusively. Therefore, this variant has been classified as Likely Pathogenic.

Literature cited by the submitters: PubMed 16199547; PubMed 25835445; PubMed 26188975.

NM_003239.5(TGFB3):c.353-2_353del

Gene: TGFB3 (transforming growth factor beta 3; minus strand). Cytogenetic location: 14q24.3.
Variant type: Deletion.
Coding change: c.353-2_353del on transcript NM_003239.5 (MANE Select); the canonical splice acceptor site of the intron before coding-DNA position 353 through coding-DNA position 353, 3 bases deleted (AGA; older notation c.353-2_353delAGA).
Molecular consequence: splice acceptor variant.
Genome position (GRCh38, 1-based): chr14:75,971,718-75,971,720, TCT deleted on the plus strand (AGA on the coding strand, the reverse complement: TGFB3 is on the minus strand). VCF-style (leftmost placement, unchanged base first): chr14-75971717-GTCT-G. GRCh37 (hg19) VCF-style: chr14-76438060-GTCT-G.
Other names: c.353-2_353del (NM_001329939.2, NM_001329938.2).
Identifiers: ClinVar variation 4734061 (VCV004734061.1).